The following is an entry in ClinVar:

ClinVar aggregate classification (germline): Conflicting classifications of pathogenicity. Review status: criteria provided, conflicting classifications (1 of 4 stars). 3 submissions from 3 submitters: Likely pathogenic (1); Uncertain significance (1). 1 of the submissions does not count toward it. Last evaluated 2023-05-12.

Conditions:
AICA-ribosiduria. Also called: AICA-ribosiduria due to ATIC deficiency; ATIC DEFICIENCY. Identifiers: Orphanet 250977, MedGen C1837530, MONDO:0012099, OMIM 608688.

Allele frequency attached by ClinVar (database versions not stated): ExAC 0.00002; gnomAD 0.00002; TOPMed 0.00001; gnomAD exomes 0.00002 and 0.00001.
gnomAD v4.1: 33 of 1,613,922 alleles (0.002%); highest among the groups gnomAD compares: Non-Finnish European, 0.0025%; no homozygotes.

Submissions (3):

Labcorp Genetics (formerly Invitae), Labcorp
Classification: Uncertain significance. Last evaluated: 2023-05-12. Review status: criteria provided, single submitter. Criteria: Invitae Variant Classification Sherloc (09022015). Collection method: clinical testing. Allele origin: germline.
Comment: This sequence change replaces lysine, which is basic and polar, with arginine, which is basic and polar, at codon 426 of the ATIC protein (p.Lys426Arg). This variant is present in population databases (rs121434478, gnomAD 0.004%). This missense change has been observed in individual(s) with clinical features of AICA-ribosiduria and complex congenital heart defects (PMID: 15114530, 28991257, 32557644). ClinVar contains an entry for this variant (Variation ID: 7810). Advanced modeling of protein sequence and biophysical properties (such as structural, functional, and spatial information, amino acid conservation, physicochemical variation, residue mobility, and thermodynamic stability) performed at Invitae indicates that this missense variant is not expected to disrupt ATIC protein function. In summary, the available evidence is currently insufficient to determine the role of this variant in disease. Therefore, it has been classified as a Variant of Uncertain Significance. Experimental studies have shown that this missense change affects ATIC function (PMID: 15114530).

Centre of Medical Genetics, University Hospital Muenster
Classification: Likely pathogenic. Last evaluated: 2021-12-08. Review status: criteria provided, single submitter. Criteria: ACMG Guidelines, 2015. Collection method: clinical testing. Allele origin: unknown. Affected: yes. Observed: 1 variant allele, 1 heterozygote.
Comment: ACMG categories: PM1,PM2,PP3,PP5

OMIM
Classification: Pathogenic for AICA-RIBOSIDURIA DUE TO ATIC DEFICIENCY. Last evaluated: 2004-06-01. Review status: no assertion criteria provided. Collection method: literature only. Allele origin: germline. Not counted in ClinVar's aggregate classification.

Literature cited by the submitters: PubMed 15114530 (cited by Labcorp Genetics (formerly Invitae), Labcorp and OMIM); PubMed 28991257 (cited by Labcorp Genetics (formerly Invitae), Labcorp); PubMed 32557644 (cited by Labcorp Genetics (formerly Invitae), Labcorp and OMIM).

NM_004044.7(ATIC):c.1277A>G (p.Lys426Arg)

Gene: ATIC (5-aminoimidazole-4-carboxamide ribonucleotide formyltransferase/IMP cyclohydrolase; plus strand). Cytogenetic location: 2q35.
Variant type: single nucleotide variant.
Coding change: c.1277A>G on transcript NM_004044.7 (MANE Select); coding-DNA position 1277, A replaced by G.
Protein change: p.Lys426Arg; replaces lysine 426 with arginine.
Molecular consequence: missense variant.
Genome position (GRCh38, 1-based): chr2:215,344,828, A>G. VCF-style: chr2-215344828-A-G. GRCh37 (hg19) VCF-style: chr2-216209551-A-G.
Other names: short protein forms K426R.
Identifiers: ClinVar variation 7810 (VCV000007810.11), dbSNP rs121434478, ClinGen allele CA119095.